The following is an entry in ClinVar:

NM_000593.6(TAP1):c.1586G>A (p.Arg529His)

Gene: TAP1 (transporter 1, ATP binding cassette subfamily B member; minus strand). Cytogenetic location: 6p21.32.
Variant type: single nucleotide variant.
Coding change: c.1586G>A on transcript NM_000593.6 (MANE Select); coding-DNA position 1586, G replaced by A.
Protein change: p.Arg529His; replaces arginine 529 with histidine.
Molecular consequence: missense variant.
Genome position (GRCh38, 1-based): chr6:32,848,073, C>T on the plus strand (G>A on the coding strand, the complement: TAP1 is on the minus strand). VCF-style: chr6-32848073-C-T. GRCh37 (hg19) VCF-style: chr6-32815850-C-T.
Other names: c.983G>A, p.Arg328His (NM_001292022.2); short protein forms R328H, R529H.
Identifiers: ClinVar variation 1005448 (VCV001005448.6), dbSNP rs778935373, ClinGen allele CA3746730.

ClinVar aggregate classification (germline): Uncertain significance (1 of 4 stars; one submission).

Conditions:
MHC class I deficiency. Identifiers: Orphanet 34592, MedGen C6024714, MONDO:0011476.

Allele frequency attached by ClinVar (database versions not stated): gnomAD 0.00001; gnomAD exomes 0.00003; TOPMed 0.00001; ExAC 0.00001.
gnomAD v4.1: 50 of 1,609,400 alleles (0.0031%); highest among the groups gnomAD compares: Middle Eastern, 0.066%; no homozygotes.

Submission:

Labcorp Genetics (formerly Invitae), Labcorp
Classification: Uncertain significance for MHC class I deficiency 1. Last evaluated: 2024-02-24. Review status: criteria provided, single submitter. Criteria: Invitae Variant Classification Sherloc (09022015). Collection method: clinical testing. Allele origin: germline.
Comment: This sequence change replaces arginine, which is basic and polar, with histidine, which is basic and polar, at codon 589 of the TAP1 protein (p.Arg589His). This variant is present in population databases (rs778935373, gnomAD 0.004%). This variant has not been reported in the literature in individuals affected with TAP1-related conditions. ClinVar contains an entry for this variant (Variation ID: 1005448). Algorithms developed to predict the effect of missense changes on protein structure and function output the following: SIFT: "Not Available"; PolyPhen-2: "Benign"; Align-GVGD: "Not Available". The histidine amino acid residue is found in multiple mammalian species, which suggests that this missense change does not adversely affect protein function. In summary, the available evidence is currently insufficient to determine the role of this variant in disease. Therefore, it has been classified as a Variant of Uncertain Significance.